The following is an entry in ClinVar:

ClinVar aggregate classification (germline): Likely pathogenic (1 of 4 stars; one submission).

Conditions:
Achromatopsia 3 (ACHM3). Also called: PINGELAPESE BLINDNESS; TOTAL COLORBLINDNESS WITH MYOPIA; ROD MONOCHROMACY 1; ROD MONOCHROMATISM 1; ACHROMATOPSIA WITH MYOPIA. Identifiers: Orphanet 49382, MedGen C1849792, MONDO:0009875, OMIM 262300.

Submission:

3billion
Classification: Likely pathogenic for Achromatopsia 3. Last evaluated: 2023-09-12. Review status: criteria provided, single submitter. Criteria: ACMG Guidelines, 2015. Collection method: clinical testing. Allele origin: germline. Affected: yes.
Comment: The variant is not observed in the gnomAD v2.1.1 dataset. Predicted Consequence/Location: Frameshift: predicted to result in a loss or disruption of normal protein function through nonsense-mediated decay (NMD) or protein truncation. Multiple pathogenic variants are reported downstream of the variant. Therefore, this variant is classified as Likely pathogenic according to the recommendation of ACMG/AMP guideline.

NM_019098.5(CNGB3):c.199_200del (p.Thr67fs)

Gene: CNGB3 (cyclic nucleotide gated channel subunit beta 3; minus strand). Cytogenetic location: 8q21.3.
Variant type: Microsatellite.
Coding change: c.199_200del on transcript NM_019098.5 (MANE Select); coding-DNA positions 199 to 200, 2 bases deleted (AC; older notation c.199_200delAC).
Protein change: p.Thr67fs; shifts the reading frame from threonine 67.
Molecular consequence: frameshift variant.
Genome position (GRCh38, 1-based): chr8:86,739,666-86,739,667, GT deleted on the plus strand (AC on the coding strand, the reverse complement: CNGB3 is on the minus strand); deleting any 2 consecutive bases within chr8:86,739,666-86,739,672 gives the same sequence; the c. name uses the placement nearest the transcript's 3' end. VCF-style (leftmost placement, unchanged base first): chr8-86739665-GGT-G. GRCh37 (hg19) VCF-style: chr8-87751893-GGT-G.
Other names: short protein forms T67fs.
Identifiers: ClinVar variation 3775468 (VCV003775468.1).